The following is an entry in ClinVar:

ClinVar aggregate classification (germline): Uncertain significance. Review status: criteria provided, multiple submitters, no conflicts (2 of 4 stars). 2 submissions from 2 submitters: Uncertain significance (2). Last evaluated 2025-08-26.

Conditions:
Cardiovascular phenotype. Identifiers: MedGen CN230736.

Allele frequency attached by ClinVar (database versions not stated): TOPMed 0.00001; gnomAD 0.00001; gnomAD exomes 0.00003; ExAC 0.00001.

Submissions (2):

Labcorp Genetics (formerly Invitae), Labcorp
Classification: Uncertain significance. Last evaluated: 2025-08-26. Review status: criteria provided, single submitter. Criteria: Invitae Variant Classification Sherloc (09022015). Collection method: clinical testing. Allele origin: germline.
Comment: This sequence change replaces alanine, which is neutral and non-polar, with threonine, which is neutral and polar, at codon 931 of the ALPK3 protein (p.Ala931Thr). This variant is present in population databases (rs34048104, gnomAD 0.0009%). This variant has not been reported in the literature in individuals affected with ALPK3-related conditions. ClinVar contains an entry for this variant (Variation ID: 1796056). Invitae Evidence Modeling of protein sequence and biophysical properties (such as structural, functional, and spatial information, amino acid conservation, physicochemical variation, residue mobility, and thermodynamic stability) indicates that this missense variant is not expected to disrupt ALPK3 protein function with a negative predictive value of 80%. In summary, the available evidence is currently insufficient to determine the role of this variant in disease. Therefore, it has been classified as a Variant of Uncertain Significance.

Ambry Genetics
Classification: Uncertain significance for Cardiovascular phenotype. Last evaluated: 2022-04-01. Review status: criteria provided, single submitter. Criteria: Ambry Variant Classification Scheme 2023. Collection method: clinical testing. Allele origin: germline.
Comment: The p.A931T variant (also known as c.2791G>A), located in coding exon 6 of the ALPK3 gene, results from a G to A substitution at nucleotide position 2791. The alanine at codon 931 is replaced by threonine, an amino acid with similar properties. This amino acid position is conserved. In addition, this alteration is predicted to be tolerated by in silico analysis. Since supporting evidence is limited at this time, the clinical significance of this alteration remains unclear.

NM_020778.5(ALPK3):c.2185G>A (p.Ala729Thr)

Gene: ALPK3 (alpha kinase 3; plus strand). Cytogenetic location: 15q25.3.
Variant type: single nucleotide variant.
Coding change: c.2185G>A on transcript NM_020778.5 (MANE Select); coding-DNA position 2185, G replaced by A.
Protein change: p.Ala729Thr; replaces alanine 729 with threonine.
Molecular consequence: missense variant.
Genome position (GRCh38, 1-based): chr15:84,856,923, G>A. VCF-style: chr15-84856923-G-A. GRCh37 (hg19) VCF-style: chr15-85400154-G-A.
Other names: short protein forms A729T.
Identifiers: ClinVar variation 1796056 (VCV001796056.4), dbSNP rs34048104, ClinGen allele CA7709357.